The following is an entry in ClinVar:

NM_015021.3(ZNF292):c.7614T>A (p.Asn2538Lys)

Gene: ZNF292 (zinc finger protein 292; plus strand). Cytogenetic location: 6q14.3.
Variant type: single nucleotide variant.
Coding change: c.7614T>A on transcript NM_015021.3 (MANE Select); coding-DNA position 7614, T replaced by A.
Protein change: p.Asn2538Lys; replaces asparagine 2538 with lysine.
Molecular consequence: missense variant.
Genome position (GRCh38, 1-based): chr6:87,261,243, T>A. VCF-style: chr6-87261243-T-A. GRCh37 (hg19) VCF-style: chr6-87970961-T-A.
Other names: c.7194T>A, p.Asn2398Lys (NM_001351444.2); c.7614T>A (NM_015021.1); short protein forms N2398K, N2538K.
Identifiers: ClinVar variation 2682461 (VCV002682461.2), dbSNP rs778061441, ClinGen allele CA3914826.

ClinVar aggregate classification (germline): Uncertain significance. Review status: criteria provided, multiple submitters, no conflicts (2 of 4 stars). 2 submissions from 2 submitters: Uncertain significance (2). Last evaluated 2024-06-10.

Conditions:
Inborn genetic diseases. Identifiers: MedGen C0950123, MeSH D030342.

gnomAD v4.1: 12 of 1,609,886 alleles (0.00075%); highest among the groups gnomAD compares: East Asian, 0.0022%; no homozygotes.

Submissions (2):

Ambry Genetics
Classification: Uncertain significance for Inborn genetic diseases. Last evaluated: 2024-06-10. Review status: criteria provided, single submitter. Criteria: Ambry Variant Classification Scheme 2023. Collection method: clinical testing. Allele origin: germline.

Women's Health and Genetics/Laboratory Corporation of America, LabCorp
Classification: Uncertain significance. Last evaluated: 2023-11-10. Review status: criteria provided, single submitter. Criteria: LabCorp Variant Classification Summary - May 2015. Collection method: clinical testing. Allele origin: germline.
Comment: Variant summary: ZNF292 c.7614T>A (p.Asn2538Lys) results in a non-conservative amino acid change in the encoded protein sequence. Four of five in-silico tools predict a benign effect of the variant on protein function. The variant allele was found at a frequency of 8.2e-06 in 244352 control chromosomes. The available data on variant occurrences in the general population are insufficient to allow any conclusion about variant significance. To our knowledge, no occurrence of c.7614T>A in individuals affected with Autosomal Dominant Intellectual Developmental Disorder 64 and no experimental evidence demonstrating its impact on protein function have been reported. No submitters have cited clinical-significance assessments for this variant to ClinVar after 2014. Based on the evidence outlined above, the variant was classified as uncertain significance.